The following is an entry in ClinVar:

NM_002246.3(KCNK3):c.751G>T (p.Ala251Ser)

Gene: KCNK3 (potassium two pore domain channel subfamily K member 3; plus strand). Cytogenetic location: 2p23.3.
Variant type: single nucleotide variant.
Coding change: c.751G>T on transcript NM_002246.3 (MANE Select); coding-DNA position 751, G replaced by T.
Protein change: p.Ala251Ser; replaces alanine 251 with serine.
Molecular consequence: missense variant.
Genome position (GRCh38, 1-based): chr2:26,728,134, G>T. VCF-style: chr2-26728134-G-T. GRCh37 (hg19) VCF-style: chr2-26951002-G-T.
Other names: short protein forms A251S.
Identifiers: ClinVar variation 4831686 (VCV004831686.1).

ClinVar aggregate classification (germline): Uncertain significance (1 of 4 stars; one submission).

Conditions:
Inborn genetic diseases. Identifiers: MedGen C0950123, MeSH D030342.

Submission:

Ambry Genetics
Classification: Uncertain significance for Inborn genetic diseases. Last evaluated: 2026-02-17. Review status: criteria provided, single submitter. Criteria: Ambry Variant Classification Scheme 2023. Collection method: clinical testing. Allele origin: germline.
Comment: The c.751G>T (p.A251S) alteration is located in exon 2 (coding exon 2) of the KCNK3 gene. This alteration results from a G to T substitution at nucleotide position 751, causing the alanine (A) at amino acid position 251 to be replaced by a serine (S). This variant was not reported in population-based cohorts in the Genome Aggregation Database (gnomAD). This amino acid position is well conserved in available vertebrate species. This alteration is predicted to be tolerated by in silico analysis. Based on insufficient or conflicting evidence, the clinical significance of this alteration remains unclear.